The following is an entry in ClinVar:

NM_002382.5(MAX):c.59C>T (p.Ser20Phe)

Gene: MAX (MYC associated transcriptional regulator X; minus strand). Cytogenetic location: 14q23.3.
Variant type: single nucleotide variant.
Coding change: c.59C>T on transcript NM_002382.5 (MANE Select); coding-DNA position 59, C replaced by T.
Protein change: p.Ser20Phe; replaces serine 20 with phenylalanine.
Molecular consequence: missense variant. On other transcripts: non-coding transcript variant (7), intron variant (14), 5 prime UTR variant (4), synonymous variant (1).
Genome position (GRCh38, 1-based): chr14:65,101,550, G>A on the plus strand (C>T on the coding strand, the complement: MAX is on the minus strand). VCF-style: chr14-65101550-G-A. GRCh37 (hg19) VCF-style: chr14-65568268-G-A.
Other names: c.59C>T, p.Ser20Phe (NM_145114.3, NM_197957.4, NM_001407094.1 and 6 more transcripts); c.36+754C>T (NM_001271069.2, NM_001407095.1, NM_001407110.1 and 9 more transcripts); c.-305+959C>T (NM_001407112.1); c.-212+754C>T (NM_001407107.1); c.-216C>T (NM_001320415.2, NM_001407105.1, NM_001407106.1); c.-309C>T (NM_001407111.1); c.82C>T, p.Leu28= (NM_001407114.1); short protein forms S20F.
Identifiers: ClinVar variation 2738459 (VCV002738459.4), dbSNP rs2063833795, ClinGen allele CA390038709.

ClinVar aggregate classification (germline): Uncertain significance. Review status: criteria provided, multiple submitters, no conflicts (2 of 4 stars). 2 submissions from 2 submitters: Uncertain significance (2). Last evaluated 2026-03-03.

Conditions:
Hereditary cancer-predisposing syndrome. Also called: Hereditary neoplastic syndrome; Neoplastic Syndromes, Hereditary; Tumor predisposition; Hereditary Cancer Syndrome. Identifiers: Orphanet 140162, MedGen C0027672, MeSH D009386, MONDO:0015356.
Hereditary pheochromocytoma and paraganglioma. Also called: Hereditary Paraganglioma-Pheochromocytoma Syndromes; Hereditary pheochromocytoma-paraganglioma; Hereditary paragangliomas and pheochromocytomas. Identifiers: Orphanet 29072, MedGen C4274332, MONDO:0017366.

Allele frequency attached by ClinVar (database versions not stated): TOPMed below 0.00001.

Submissions (2):

Ambry Genetics
Classification: Uncertain significance for Hereditary cancer-predisposing syndrome. Last evaluated: 2026-03-03. Review status: criteria provided, single submitter. Criteria: Ambry Variant Classification Scheme 2023. Collection method: clinical testing. Allele origin: germline.
Comment: The p.S20F variant (also known as c.59C>T), located in coding exon 2 of the MAX gene, results from a C to T substitution at nucleotide position 59. The serine at codon 20 is replaced by phenylalanine, an amino acid with highly dissimilar properties. This amino acid position is conserved. In addition, the in silico prediction for this alteration is inconclusive. Based on the available evidence, the clinical significance of this variant remains unclear.

Labcorp Genetics (formerly Invitae), Labcorp
Classification: Uncertain significance for Hereditary pheochromocytoma and paraganglioma. Last evaluated: 2024-10-19. Review status: criteria provided, single submitter. Criteria: Invitae Variant Classification Sherloc (09022015). Collection method: clinical testing. Allele origin: germline.
Comment: This sequence change replaces serine, which is neutral and polar, with phenylalanine, which is neutral and non-polar, at codon 20 of the MAX protein (p.Ser20Phe). This variant is not present in population databases (gnomAD no frequency). This variant has not been reported in the literature in individuals affected with MAX-related conditions. An algorithm developed to predict the effect of missense changes on protein structure and function (PolyPhen-2) suggests that this variant is likely to be tolerated. In summary, the available evidence is currently insufficient to determine the role of this variant in disease. Therefore, it has been classified as a Variant of Uncertain Significance.